The following is an entry in ClinVar:

ClinVar aggregate classification (germline): Uncertain significance (1 of 4 stars; one submission).

Allele frequency attached by ClinVar (database versions not stated): ExAC 0.00002; gnomAD 0.00003; gnomAD exomes 0.00004; TOPMed 0.00005.
gnomAD v4.1: 67 of 1,613,094 alleles (0.0042%); highest among the groups gnomAD compares: Non-Finnish European, 0.0049%; no homozygotes.

Submission:

Labcorp Genetics (formerly Invitae), Labcorp
Classification: Uncertain significance. Last evaluated: 2023-12-23. Review status: criteria provided, single submitter. Criteria: Invitae Variant Classification Sherloc (09022015). Collection method: clinical testing. Allele origin: germline.
Comment: This sequence change replaces valine, which is neutral and non-polar, with isoleucine, which is neutral and non-polar, at codon 569 of the DLL1 protein (p.Val569Ile). This variant is present in population databases (rs768856714, gnomAD 0.005%). This variant has not been reported in the literature in individuals affected with DLL1-related conditions. Algorithms developed to predict the effect of missense changes on protein structure and function output the following: SIFT: "Not Available"; PolyPhen-2: "Benign"; Align-GVGD: "Not Available". The isoleucine amino acid residue is found in multiple mammalian species, which suggests that this missense change does not adversely affect protein function. In summary, the available evidence is currently insufficient to determine the role of this variant in disease. Therefore, it has been classified as a Variant of Uncertain Significance.

NM_005618.4(DLL1):c.1705G>A (p.Val569Ile)

Gene: DLL1 (delta like canonical Notch ligand 1; minus strand). Cytogenetic location: 6q27.
Variant type: single nucleotide variant.
Coding change: c.1705G>A on transcript NM_005618.4 (MANE Select); coding-DNA position 1705, G replaced by A.
Protein change: p.Val569Ile; replaces valine 569 with isoleucine.
Molecular consequence: missense variant.
Genome position (GRCh38, 1-based): chr6:170,283,574, C>T on the plus strand (G>A on the coding strand, the complement: DLL1 is on the minus strand). VCF-style: chr6-170283574-C-T. GRCh37 (hg19) VCF-style: chr6-170592662-C-T.
Other names: short protein forms V569I.
Identifiers: ClinVar variation 2894431 (VCV002894431.3), dbSNP rs768856714, ClinGen allele CA4106756.